The following is an entry in ClinVar:

ClinVar aggregate classification (germline): Uncertain significance (1 of 4 stars; one submission).

Conditions:
Familial adenomatous polyposis 1 (FAP1). Also called: POLYPOSIS, ADENOMATOUS INTESTINAL; FAMILIAL ADENOMATOUS POLYPOSIS 1, ATTENUATED. Identifiers: MedGen C2713442, MONDO:0021056, OMIM 175100. Disease mechanism: loss of function.

Submission:

Labcorp Genetics (formerly Invitae), Labcorp
Classification: Uncertain significance for Familial adenomatous polyposis 1. Last evaluated: 2021-09-02. Review status: criteria provided, single submitter. Criteria: Invitae Variant Classification Sherloc (09022015). Collection method: clinical testing. Allele origin: germline.
Comment: In summary, the available evidence is currently insufficient to determine the role of this variant in disease. Therefore, it has been classified as a Variant of Uncertain Significance. Algorithms developed to predict the effect of missense changes on protein structure and function (SIFT, PolyPhen-2, Align-GVGD) all suggest that this variant is likely to be disruptive. This variant has not been reported in the literature in individuals affected with APC-related conditions. This variant is not present in population databases (ExAC no frequency). This sequence change replaces leucine with arginine at codon 204 of the APC protein (p.Leu204Arg). The leucine residue is highly conserved and there is a moderate physicochemical difference between leucine and arginine.

NM_000038.6(APC):c.611T>G (p.Leu204Arg)

Gene: APC (APC regulator of Wnt signaling pathway; plus strand). Cytogenetic location: 5q22.2.
Variant type: single nucleotide variant.
Coding change: c.611T>G on transcript NM_000038.6 (MANE Select); coding-DNA position 611, T replaced by G.
Protein change: p.Leu204Arg; replaces leucine 204 with arginine.
Molecular consequence: missense variant. On other transcripts: 5 prime UTR variant (1).
Genome position (GRCh38, 1-based): chr5:112,780,869, T>G. VCF-style: chr5-112780869-T-G. GRCh37 (hg19) VCF-style: chr5-112116566-T-G.
Other names: c.611T>G, p.Leu204Arg (NM_001127510.3, NM_001354895.2, NM_001354896.2 and 2 more transcripts); c.641T>G, p.Leu214Arg (NM_001127511.3, NM_001354897.2, NM_001354902.2); c.536T>G, p.Leu179Arg (NM_001354898.2, NM_001354904.2); c.434T>G, p.Leu145Arg (NM_001354900.2, NM_001354901.2, NM_001354905.2); c.-425T>G (NM_001354906.2); short protein forms L179R, L145R, L204R, L214R.
Identifiers: ClinVar variation 1414627 (VCV001414627.6), dbSNP rs2149640511, ClinGen allele CA16022677.